The following is an entry in ClinVar:

NM_018474.6(KIZ):c.1151A>G (p.Glu384Gly)

Gene: KIZ (kizuna centrosomal protein; plus strand). Cytogenetic location: 20p11.23.
Variant type: single nucleotide variant.
Coding change: c.1151A>G on transcript NM_018474.6 (MANE Select); coding-DNA position 1151, A replaced by G.
Protein change: p.Glu384Gly; replaces glutamic acid 384 with glycine.
Molecular consequence: missense variant.
Genome position (GRCh38, 1-based): chr20:21,162,958, A>G. VCF-style: chr20-21162958-A-G. GRCh37 (hg19) VCF-style: chr20-21143599-A-G.
Other names: c.842A>G, p.Glu281Gly (NM_001163022.3, NM_001352435.2); c.752A>G, p.Glu251Gly (NM_001163023.3); c.1004A>G, p.Glu335Gly (NM_001276389.2); c.1151A>G, p.Glu384Gly (NM_001352434.2); c.809A>G, p.Glu270Gly (NM_001352436.2); short protein forms E281G, E384G, E270G, E335G, E251G.
Identifiers: ClinVar variation 1932346 (VCV001932346.5), dbSNP rs773332864, ClinGen allele CA9784785.

ClinVar aggregate classification (germline): Uncertain significance (1 of 4 stars; one submission).

Allele frequency attached by ClinVar (database versions not stated): gnomAD exomes 0.00003; ExAC 0.00005.
gnomAD v4.1: 48 of 1,613,756 alleles (0.003%); highest among the groups gnomAD compares: Non-Finnish European, 0.00051%; no homozygotes.

Submission:

Labcorp Genetics (formerly Invitae), Labcorp
Classification: Uncertain significance. Last evaluated: 2024-10-17. Review status: criteria provided, single submitter. Criteria: Invitae Variant Classification Sherloc (09022015). Collection method: clinical testing. Allele origin: germline.
Comment: This sequence change replaces glutamic acid, which is acidic and polar, with glycine, which is neutral and non-polar, at codon 384 of the KIZ protein (p.Glu384Gly). This variant is present in population databases (rs773332864, gnomAD 0.1%). This variant has not been reported in the literature in individuals affected with KIZ-related conditions. ClinVar contains an entry for this variant (Variation ID: 1932346). Experimental studies and prediction algorithms are not available or were not evaluated, and the functional significance of this variant is currently unknown. In summary, the available evidence is currently insufficient to determine the role of this variant in disease. Therefore, it has been classified as a Variant of Uncertain Significance.